The following is an entry in ClinVar:

ClinVar aggregate classification (germline): Uncertain significance (1 of 4 stars; one submission).

Allele frequency attached by ClinVar (database versions not stated): gnomAD exomes 0.00001; ExAC 0.00002; TOPMed 0.00002; gnomAD 0.00003.
gnomAD v4.1: 21 of 1,613,518 alleles (0.0013%); highest among the groups gnomAD compares: Non-Finnish European, 0.0016%; no homozygotes.

Submission:

GeneDx
Classification: Uncertain significance. Last evaluated: 2023-08-04. Review status: criteria provided, single submitter. Criteria: GeneDx Variant Classification Process June 2021. Collection method: clinical testing. Allele origin: germline. Affected: yes.
Comment: Not observed at a significant frequency in large population cohorts (gnomAD); In silico analysis supports that this missense variant has a deleterious effect on protein structure/function; Has not been previously published as pathogenic or benign to our knowledge

NM_003922.4(HERC1):c.6083T>A (p.Leu2028His)

Gene: HERC1 (HECT and RLD domain containing E3 ubiquitin protein ligase family member 1; minus strand). Cytogenetic location: 15q22.31.
Variant type: single nucleotide variant.
Coding change: c.6083T>A on transcript NM_003922.4 (MANE Select); coding-DNA position 6083, T replaced by A.
Protein change: p.Leu2028His; replaces leucine 2028 with histidine.
Molecular consequence: missense variant.
Genome position (GRCh38, 1-based): chr15:63,686,501, A>T on the plus strand (T>A on the coding strand, the complement: HERC1 is on the minus strand). VCF-style: chr15-63686501-A-T. GRCh37 (hg19) VCF-style: chr15-63978700-A-T.
Other names: short protein forms L2028H.
Identifiers: ClinVar variation 2574708 (VCV002574708.1), dbSNP rs762982164, ClinGen allele CA7605394.